The following is an entry in ClinVar:

NM_001142800.2(EYS):c.1599+1G>T

Gene: EYS (EGF-like photoreceptor maintenance factor; minus strand). Cytogenetic location: 6q12.
Variant type: single nucleotide variant.
Coding change: c.1599+1G>T on transcript NM_001142800.2 (MANE Select); the canonical splice donor site of the intron after coding-DNA position 1599, G replaced by T.
Molecular consequence: splice donor variant.
Genome position (GRCh38, 1-based): chr6:65,344,037, C>A on the plus strand (G>T on the coding strand, the complement: EYS is on the minus strand). VCF-style: chr6-65344037-C-A. GRCh37 (hg19) VCF-style: chr6-66053930-C-A.
Other names: c.1599+1G>T (NM_001142800.1, NM_001292009.2, NM_001142801.2 and 1 more transcripts).
Identifiers: ClinVar variation 1521172 (VCV001521172.12), dbSNP rs2150319815, ClinGen allele CA364661284.

ClinVar aggregate classification (germline): Likely pathogenic. Review status: criteria provided, multiple submitters, no conflicts (2 of 4 stars). 2 submissions from 2 submitters: Likely pathogenic (2). Last evaluated 2025-07-24.

Conditions:
Retinitis pigmentosa 25 (RP25). Identifiers: Orphanet 791, MedGen C1864446, MONDO:0011272, OMIM 602772.

Submissions (2):

Natera, Inc.
Classification: Likely pathogenic for Retinitis pigmentosa type 25. Last evaluated: 2025-07-24. Review status: criteria provided, single submitter. Criteria: Natera Variant Classification Schema (03/2026). Collection method: clinical testing. Allele origin: germline.
Comment: The c.1599+1G>T variant in EYS is a canonical splice donor site variant predicted to affect pre-mRNA splicing, which may result in an abnormal transcript and altered protein product. This variant is expected to result in nonsense mediated decay, truncation, or a dysfunctional protein product. This variant is rare in the general population with a frequency below the threshold expected for the associated phenotype(s). Given the available evidence, this variant is classified as Likely Pathogenic.

Labcorp Genetics (formerly Invitae), Labcorp
Classification: Likely pathogenic. Last evaluated: 2022-02-04. Review status: criteria provided, single submitter. Criteria: Invitae Variant Classification Sherloc (09022015). Collection method: clinical testing. Allele origin: germline.
Comment: In summary, the currently available evidence indicates that the variant is pathogenic, but additional data are needed to prove that conclusively. Therefore, this variant has been classified as Likely Pathogenic. Algorithms developed to predict the effect of sequence changes on RNA splicing suggest that this variant may disrupt the consensus splice site. This variant has not been reported in the literature in individuals affected with EYS-related conditions. This variant is not present in population databases (gnomAD no frequency). This sequence change affects a donor splice site in intron 10 of the EYS gene. It is expected to disrupt RNA splicing. Variants that disrupt the donor or acceptor splice site typically lead to a loss of protein function (PMID: 16199547), and loss-of-function variants in EYS are known to be pathogenic (PMID: 18836446, 20333770).

Literature cited by the submitters: PubMed 16199547 (cited by Labcorp Genetics (formerly Invitae), Labcorp); PubMed 18836446 (cited by Labcorp Genetics (formerly Invitae), Labcorp); PubMed 20333770 (cited by Labcorp Genetics (formerly Invitae), Labcorp).